The following is an entry in ClinVar:

ClinVar aggregate classification (germline): Uncertain significance. Review status: criteria provided, multiple submitters, no conflicts (2 of 4 stars). 2 submissions from 2 submitters: Uncertain significance (2). Last evaluated 2024-12-20.

Conditions:
Chédiak-Higashi syndrome (CHS). Also called: Chediak-Higashi Syndrome. Identifiers: Orphanet 167, MedGen C0007965, MONDO:0008963, OMIM 214500.
Inborn genetic diseases. Identifiers: MedGen C0950123, MeSH D030342.

Allele frequency attached by ClinVar (database versions not stated): ExAC 0.00001; gnomAD 0.00001; TOPMed 0.00001.
gnomAD v4.1: 5 of 1,611,720 alleles (0.00031%); highest among the groups gnomAD compares: Non-Finnish European, 0.00042%; no homozygotes.

Submissions (2):

Ambry Genetics
Classification: Uncertain significance for Inborn genetic diseases. Last evaluated: 2024-12-20. Review status: criteria provided, single submitter. Criteria: Ambry Variant Classification Scheme 2023. Collection method: clinical testing. Allele origin: germline.

Labcorp Genetics (formerly Invitae), Labcorp
Classification: Uncertain significance for Chédiak-Higashi syndrome. Last evaluated: 2021-12-19. Review status: criteria provided, single submitter. Criteria: Invitae Variant Classification Sherloc (09022015). Collection method: clinical testing. Allele origin: germline.
Comment: This sequence change replaces phenylalanine, which is neutral and non-polar, with leucine, which is neutral and non-polar, at codon 2873 of the LYST protein (p.Phe2873Leu). This variant is present in population databases (rs746005251, gnomAD 0.0009%). This variant has not been reported in the literature in individuals affected with LYST-related conditions. Algorithms developed to predict the effect of missense changes on protein structure and function are either unavailable or do not agree on the potential impact of this missense change (SIFT: "Tolerated"; PolyPhen-2: "Probably Damaging"; Align-GVGD: "Class C0"). In summary, the available evidence is currently insufficient to determine the role of this variant in disease. Therefore, it has been classified as a Variant of Uncertain Significance.

NM_000081.4(LYST):c.8619T>A (p.Phe2873Leu)

Gene: LYST (lysosomal trafficking regulator; minus strand). Cytogenetic location: 1q42.3.
Variant type: single nucleotide variant.
Coding change: c.8619T>A on transcript NM_000081.4 (MANE Select); coding-DNA position 8619, T replaced by A.
Protein change: p.Phe2873Leu; replaces phenylalanine 2873 with leucine.
Molecular consequence: missense variant.
Genome position (GRCh38, 1-based): chr1:235,733,685, A>T on the plus strand (T>A on the coding strand, the complement: LYST is on the minus strand). VCF-style: chr1-235733685-A-T. GRCh37 (hg19) VCF-style: chr1-235896985-A-T.
Other names: c.8619T>A (NM_000081.2); c.8619T>A, p.Phe2873Leu (NM_001301365.1); short protein forms F2873L.
Identifiers: ClinVar variation 2047619 (VCV002047619.2), dbSNP rs746005251, ClinGen allele CA1465794.